The following is an entry in ClinVar:

ClinVar aggregate classification (germline): Uncertain significance. Review status: criteria provided, multiple submitters, no conflicts (2 of 4 stars). 2 submissions from 2 submitters: Uncertain significance (2). Last evaluated 2024-08-06.

Conditions:
Hereditary cancer-predisposing syndrome. Also called: Hereditary Cancer Syndrome; Tumor predisposition; Neoplastic Syndromes, Hereditary; Hereditary neoplastic syndrome. Identifiers: Orphanet 140162, MedGen C0027672, MeSH D009386, MONDO:0015356.
Ataxia-telangiectasia syndrome (AT). Also called: ATAXIA-TELANGIECTASIA, FRESNO VARIANT; Ataxia-telangiectasia, complementation group E; Ataxia telangiectasia (A-T); Cerebello-oculocutaneous telangiectasia; Immunodeficiency with ataxia telangiectasia; LOUIS-BAR SYNDROME. Identifiers: Orphanet 100, MedGen C0004135, MONDO:0008840, OMIM 208900.

Submissions (2):

Ambry Genetics
Classification: Uncertain significance for Hereditary cancer-predisposing syndrome. Last evaluated: 2024-08-06. Review status: criteria provided, single submitter. Criteria: Ambry Variant Classification Scheme 2023. Collection method: clinical testing. Allele origin: germline.
Comment: The p.F505L variant (also known as c.1513T>C), located in coding exon 9 of the ATM gene, results from a T to C substitution at nucleotide position 1513. The phenylalanine at codon 505 is replaced by leucine, an amino acid with highly similar properties. This amino acid position is well conserved in available vertebrate species. In addition, this alteration is predicted to be tolerated by in silico analysis. Based on the available evidence, the clinical significance of this variant remains unclear.

Labcorp Genetics (formerly Invitae), Labcorp
Classification: Uncertain significance for Ataxia-telangiectasia syndrome. Last evaluated: 2018-12-19. Review status: criteria provided, single submitter. Criteria: Invitae Variant Classification Sherloc (09022015). Collection method: clinical testing. Allele origin: germline.
Comment: In summary, the available evidence is currently insufficient to determine the role of this variant in disease. Therefore, it has been classified as a Variant of Uncertain Significance. This sequence change replaces phenylalanine with leucine at codon 505 of the ATM protein (p.Phe505Leu). The phenylalanine residue is highly conserved and there is a small physicochemical difference between phenylalanine and leucine. This variant is not present in population databases (ExAC no frequency). This variant has not been reported in the literature in individuals with ATM-related conditions. Algorithms developed to predict the effect of missense changes on protein structure and function (SIFT, PolyPhen-2, Align-GVGD) all suggest that this variant is likely to be tolerated, but these predictions have not been confirmed by published functional studies and their clinical significance is uncertain.

NM_000051.4(ATM):c.1513T>C (p.Phe505Leu)

Gene: ATM (ATM serine/threonine kinase; plus strand). Cytogenetic location: 11q22.3.
Variant type: single nucleotide variant.
Coding change: c.1513T>C on transcript NM_000051.4 (MANE Select); coding-DNA position 1513, T replaced by C.
Protein change: p.Phe505Leu; replaces phenylalanine 505 with leucine.
Molecular consequence: missense variant.
Genome position (GRCh38, 1-based): chr11:108,250,978, T>C. VCF-style: chr11-108250978-T-C. GRCh37 (hg19) VCF-style: chr11-108121705-T-C.
Other names: c.1513T>C, p.Phe505Leu (NM_001351834.2); short protein forms F505L.
Identifiers: ClinVar variation 652150 (VCV000652150.9), dbSNP rs1591524421, ClinGen allele CA382534262.